The following is an entry in ClinVar:

NM_001382391.1(CSPP1):c.3228C>A (p.Tyr1076Ter)

Genes: ARFGEF1 (ARF guanine nucleotide exchange factor 1; minus strand), CSPP1 (centrosome and spindle pole associated protein 1; plus strand). Cytogenetic location: 8q13.2.
Variant type: single nucleotide variant.
Coding change: c.3228C>A on transcript NM_001382391.1 (MANE Select); coding-DNA position 3228, C replaced by A.
Protein change: p.Tyr1076Ter; replaces tyrosine 1076 with a stop codon.
Molecular consequence: nonsense. On other transcripts: intron variant (2).
Genome position (GRCh38, 1-based): chr8:67,190,657, C>A. VCF-style: chr8-67190657-C-A. GRCh37 (hg19) VCF-style: chr8-68102892-C-A.
Other names: c.3213C>A, p.Tyr1071Ter (NM_024790.7, NM_001438331.1); c.5367+9739G>T (NM_001413186.1); c.5385+9739G>T (NM_001413187.1); c.2178C>A, p.Tyr726Ter (NM_001291339.2); c.3147C>A, p.Tyr1049Ter (NM_001363131.2); c.3033C>A, p.Tyr1011Ter (NM_001363132.2); c.2952C>A, p.Tyr984Ter (NM_001363133.2); c.3294C>A, p.Tyr1098Ter (NM_001364869.1); and 3 more; short protein forms Y1071*, Y1011*, Y1049*, Y1098*, Y1038*, Y843*, Y1020*, Y1076*.
Identifiers: ClinVar variation 5007336 (VCV005007336.2).

ClinVar aggregate classification (germline): Likely pathogenic (1 of 4 stars; one submission).

Conditions:
Joubert syndrome 21 (JBTS21). Identifiers: MedGen C3810212, MONDO:0014288, OMIM 615636.

gnomAD v4.1: 1 of 1,613,618 alleles (0.000062%); highest among the groups gnomAD compares: South Asian, 0.0011%; no homozygotes.

Submission:

Juno Genomics, Hangzhou Juno Genomics, Inc
Classification: Likely pathogenic for Joubert syndrome 21. Review status: criteria provided, single submitter. Criteria: ACMG Guidelines, 2015. Collection method: clinical testing. Allele origin: germline.
Comment: Null variant in a gene where loss of function (LOF) is a known mechanism of disease.;Absent from controls (or at extremely low frequency if recessive) in Genome Aggregation Database.